The following is an entry in ClinVar:

ClinVar aggregate classification (germline): Uncertain significance. Review status: criteria provided, multiple submitters, no conflicts (2 of 4 stars). 2 submissions from 2 submitters: Uncertain significance (2). Last evaluated 2022-10-05.

Conditions:
Nystagmus 1, congenital, X-linked. Also called: NYSTAGMUS, INFANTILE IDIOPATHIC; NYSTAGMUS, INFANTILE PERIODIC ALTERNATING, X-LINKED; NYSTAGMUS 1, INFANTILE, X-LINKED; NYSTAGMUS, CONGENITAL MOTOR, 1; FRMD7-Related Infantile Nystagmus. Identifiers: MedGen C1839580, MONDO:0010693, OMIM 310700.

Allele frequency attached by ClinVar (database versions not stated): gnomAD 0.00001; TOPMed 0.00001.
gnomAD v4.1: 1 of 1,209,465 alleles (0.000083%); highest among the groups gnomAD compares: Admixed American, 0.0022%; no homozygotes.

Submissions (2):

Labcorp Genetics (formerly Invitae), Labcorp
Classification: Uncertain significance. Last evaluated: 2022-10-05. Review status: criteria provided, single submitter. Criteria: Invitae Variant Classification Sherloc (09022015). Collection method: clinical testing. Allele origin: germline.
Comment: In summary, the available evidence is currently insufficient to determine the role of this variant in disease. Therefore, it has been classified as a Variant of Uncertain Significance. Algorithms developed to predict the effect of missense changes on protein structure and function output the following: SIFT: "Tolerated"; PolyPhen-2: "Benign"; Align-GVGD: "Class C0". The glutamic acid amino acid residue is found in multiple mammalian species, which suggests that this missense change does not adversely affect protein function. ClinVar contains an entry for this variant (Variation ID: 912926). This variant has not been reported in the literature in individuals affected with FRMD7-related conditions. This variant is present in population databases (no rsID available, gnomAD 0.2%). This sequence change replaces valine, which is neutral and non-polar, with glutamic acid, which is acidic and polar, at codon 549 of the FRMD7 protein (p.Val549Glu).

Illumina Laboratory Services, Illumina
Classification: Uncertain significance for Nystagmus 1, congenital, X-linked. Last evaluated: 2018-01-13. Review status: criteria provided, single submitter. Criteria: ICSL Variant Classification Criteria 13 December 2019. Collection method: clinical testing. Allele origin: germline.

NM_194277.3(FRMD7):c.1646T>A (p.Val549Glu)

Gene: FRMD7 (FERM domain containing 7; minus strand). Cytogenetic location: Xq26.2.
Variant type: single nucleotide variant.
Coding change: c.1646T>A on transcript NM_194277.3 (MANE Select); coding-DNA position 1646, T replaced by A.
Protein change: p.Val549Glu; replaces valine 549 with glutamic acid.
Molecular consequence: missense variant.
Genome position (GRCh38, 1-based): chrX:132,078,371, A>T on the plus strand (T>A on the coding strand, the complement: FRMD7 is on the minus strand). VCF-style: chrX-132078371-A-T. GRCh37 (hg19) VCF-style: chrX-131212399-A-T.
Other names: c.1601T>A, p.Val534Glu (NM_001306193.2); short protein forms V549E, V534E.
Identifiers: ClinVar variation 912926 (VCV000912926.8), dbSNP rs1308080722, ClinGen allele CA414678613.